The following is an entry in ClinVar:

NM_153443.5(KIR3DL3):c.516C>T (p.His172=)

Gene: KIR3DL3 (killer cell immunoglobulin like receptor, three Ig domains and long cytoplasmic tail 3). Cytogenetic location: 19q13.42.
Variant type: single nucleotide variant.
Coding change: c.516C>T on transcript NM_153443.5 (MANE Select); coding-DNA position 516, C replaced by T.
Protein change: p.His172=; no amino-acid change (histidine 172 retained).
Molecular consequence: synonymous variant.
Genome position (GRCh38, 1-based): chr19:54,727,771, C>T. VCF-style: chr19-54727771-C-T. GRCh37 (hg19) VCF-style: chr19-55239237-C-T.
Identifiers: ClinVar variation 2650458 (VCV002650458.24), dbSNP rs546562878, ClinGen allele CA309848882.

ClinVar aggregate classification (germline): Likely benign (1 of 4 stars; one submission).

Allele frequency attached by ClinVar (database versions not stated): ExAC 0.00002; 1000 Genomes Project 0.00040; 1000 Genomes Project 30x 0.00547; gnomAD 0.00851; TOPMed 0.00870.
gnomAD v4.1: 18,438 of 1,613,464 alleles (1.1%); highest among the groups gnomAD compares: Non-Finnish European, 1.3%; 144 homozygotes.

Submission:

CeGaT Center for Human Genetics Tuebingen
Classification: Likely benign. Last evaluated: 2023-03-01. Review status: criteria provided, single submitter. Criteria: CeGaT Center For Human Genetics Tuebingen Variant Classification Criteria Version 2. Collection method: clinical testing. Allele origin: germline. Affected: yes. Observed: 1 variant allele.
Comment: KIR3DL3: BP4, BP7, BS2